The following is an entry in ClinVar:

ClinVar aggregate classification (germline): Uncertain significance. Review status: criteria provided, multiple submitters, no conflicts (2 of 4 stars). 2 submissions from 2 submitters: Uncertain significance (2). Last evaluated 2021-10-27.

Conditions:
Autosomal recessive early-onset Parkinson disease 23. Identifiers: Orphanet 2828, MedGen C4225186, MONDO:0014796, OMIM 616840.

Allele frequency attached by ClinVar (database versions not stated): gnomAD exomes 0.00001 and 0.00004; ExAC 0.00002; gnomAD 0.00002; TOPMed 0.00004.
gnomAD v4.1: 25 of 1,613,502 alleles (0.0015%); highest among the groups gnomAD compares: Admixed American, 0.012%; no homozygotes.

Submissions (2):

Labcorp Genetics (formerly Invitae), Labcorp
Classification: Uncertain significance. Last evaluated: 2021-10-27. Review status: criteria provided, single submitter. Criteria: Invitae Variant Classification Sherloc (09022015). Collection method: clinical testing. Allele origin: germline.
Comment: This variant has not been reported in the literature in individuals affected with VPS13C-related conditions. In summary, the available evidence is currently insufficient to determine the role of this variant in disease. Therefore, it has been classified as a Variant of Uncertain Significance. Algorithms developed to predict the effect of missense changes on protein structure and function are either unavailable or do not agree on the potential impact of this missense change (SIFT: "Tolerated"; PolyPhen-2: "Possibly Damaging"; Align-GVGD: "Class C0"). This variant is present in population databases (rs780548883, gnomAD 0.01%). This sequence change replaces methionine, a(n) neutral and non-polar amino acid, with valine, a(n) neutral and non-polar amino acid, at codon 2027 of the VPS13C protein (p.Met2027Val).

Neuberg Centre For Genomic Medicine, NCGM
Classification: Uncertain significance for Autosomal recessive early-onset Parkinson disease 23. Review status: criteria provided, single submitter. Criteria: ACMG Guidelines, 2015. Collection method: clinical testing. Allele origin: germline. Inheritance: Autosomal recessive inheritance. Affected: yes.
Comment: The observed missense c.6079A>G (p.Met2027Val) variant in VPS13C gene has not been reported previously as a pathogenic variant nor as a benign variant, to our knowledge. The p.Met2027Val variant is present with allele frequency of 0.004% in gnomAD Exomes. This variant has been submitted to the ClinVar database as Uncertain Significance. Multiple lines of computational evidence (Polyphen - Probably Damaging, SIFT - Damaging and MutationTaster - Disease causing) predict a damaging effect on protein structure and function for this variant. The reference amino acid of p.Met2027Val in VPS13C is predicted as conserved by GERP++ and PhyloP across 100 vertebrates. The amino acid Met at position 2027 is changed to a Val changing protein sequence and it might alter its composition and physico-chemical properties. For these reasons, this variant has been classified as a Variant of Uncertain Significance (VUS).

NM_020821.3(VPS13C):c.6079A>G (p.Met2027Val)

Gene: VPS13C (vacuolar protein sorting 13 homolog C; minus strand). Cytogenetic location: 15q22.2.
Variant type: single nucleotide variant.
Coding change: c.6079A>G on transcript NM_020821.3 (MANE Select); coding-DNA position 6079, A replaced by G.
Protein change: p.Met2027Val; replaces methionine 2027 with valine.
Molecular consequence: missense variant.
Genome position (GRCh38, 1-based): chr15:61,929,708, T>C on the plus strand (A>G on the coding strand, the complement: VPS13C is on the minus strand). VCF-style: chr15-61929708-T-C. GRCh37 (hg19) VCF-style: chr15-62221907-T-C.
Other names: c.6079A>G, p.Met2027Val (NM_001018088.3); c.5950A>G, p.Met1984Val (NM_017684.5, NM_018080.4); short protein forms M1984V, M2027V.
Identifiers: ClinVar variation 1356513 (VCV001356513.9), dbSNP rs780548883, ClinGen allele CA7595637.